The following is an entry in ClinVar:

NM_000392.5(ABCC2):c.4508+6T>C

Gene: ABCC2 (ATP binding cassette subfamily C member 2; plus strand). Cytogenetic location: 10q24.2.
Variant type: single nucleotide variant.
Coding change: c.4508+6T>C on transcript NM_000392.5 (MANE Select); 6 bases into the intron after coding-DNA position 4508, T replaced by C.
Molecular consequence: intron variant.
Genome position (GRCh38, 1-based): chr10:99,850,802, T>C. VCF-style: chr10-99850802-T-C. GRCh37 (hg19) VCF-style: chr10-101610559-T-C.
Other names: c.4508+6T>C (LRG_1208t1, NM_000392.4).
Identifiers: ClinVar variation 623753 (VCV000623753.44), dbSNP rs766426423, ClinGen allele CA5644159.

ClinVar aggregate classification (germline): Conflicting classifications of pathogenicity. Review status: criteria provided, conflicting classifications (1 of 4 stars). 2 submissions from 2 submitters: Uncertain significance (1); Likely benign (1). Last evaluated 2025-06-04.

Conditions:
ABCC2-related disorder. Also called: ABCC2-related condition.

Allele frequency attached by ClinVar (database versions not stated): ExAC 0.00001; gnomAD 0.00001; gnomAD exomes 0.00001; TOPMed 0.00001.
gnomAD v4.1: 18 of 1,613,786 alleles (0.0011%); highest among the groups gnomAD compares: Middle Eastern, 0.033%; no homozygotes.

Submissions (2):

PreventionGenetics, part of Exact Sciences
Classification: Likely benign for ABCC2-related condition. Last evaluated: 2025-06-04. Review status: criteria provided, single submitter. Criteria: ACMG Guidelines, 2015. Collection method: clinical testing. Allele origin: germline.
Comment: This variant is classified as likely benign based on ACMG/AMP sequence variant interpretation guidelines (Richards et al. 2015 PMID: 25741868, with internal and published modifications).

CeGaT Center for Human Genetics Tuebingen
Classification: Uncertain significance. Last evaluated: 2018-08-01. Review status: criteria provided, single submitter. Criteria: CeGaT Center For Human Genetics Tuebingen Variant Classification Criteria Version 2. Collection method: clinical testing. Allele origin: germline. Affected: yes. Observed: 1 variant allele.